The following is an entry in ClinVar:

NM_003060.4(SLC22A5):c.1053-2A>C

Gene: SLC22A5 (solute carrier family 22 member 5; plus strand). Cytogenetic location: 5q31.1.
Variant type: single nucleotide variant.
Coding change: c.1053-2A>C on transcript NM_003060.4 (MANE Select); the canonical splice acceptor site of the intron before coding-DNA position 1053, A replaced by C.
Molecular consequence: splice acceptor variant.
Genome position (GRCh38, 1-based): chr5:132,390,688, A>C. VCF-style: chr5-132390688-A-C. GRCh37 (hg19) VCF-style: chr5-131726380-A-C.
Other names: c.1125-2A>C (NM_001308122.2).
Identifiers: ClinVar variation 203929 (VCV000203929.27), dbSNP rs777004046, ClinGen allele CA312952.

ClinVar aggregate classification (germline): Pathogenic/Likely pathogenic. Review status: criteria provided, multiple submitters, no conflicts (2 of 4 stars). 9 submissions from 9 submitters: Pathogenic (3); Likely pathogenic (5). 1 of the submissions does not count toward it. Last evaluated 2026-01-07.

Conditions:
SLC22A5-related disorder. Also called: SLC22A5-related condition.
Carnitine deficiency. Identifiers: MedGen C1142132.
Renal carnitine transport defect (CDSP). Also called: Carnitine transporter deficiency; Carnitine Deficiency, Systemic; CARNITINE DEFICIENCY, SYSTEMIC, DUE TO DEFECT IN RENAL REABSORPTION OF CARNITINE; CARNITINE TRANSPORTER, PLASMA-MEMBRANE, DEFICIENCY OF; CARNITINE UPTAKE DEFECT; Systemic primary carnitine deficiency. Identifiers: Orphanet 158, MedGen C0342788, MONDO:0008919, OMIM 212140.

Allele frequency attached by ClinVar (database versions not stated): TOPMed 0.00001; gnomAD 0.00003; ExAC 0.00004.

Submissions (9):

Labcorp Genetics (formerly Invitae), Labcorp
Classification: Likely pathogenic for Renal carnitine transport defect. Last evaluated: 2026-01-07. Review status: criteria provided, single submitter. Criteria: Invitae Variant Classification Sherloc (09022015). Collection method: clinical testing. Allele origin: germline.
Comment: This sequence change affects an acceptor splice site in intron 6 of the SLC22A5 gene. It is expected to disrupt RNA splicing. Variants that disrupt the donor or acceptor splice site typically lead to a loss of protein function (PMID: 16199547), and loss-of-function variants in SLC22A5 are known to be pathogenic (PMID: 9916797). This variant is present in population databases (rs777004046, gnomAD 0.03%). Disruption of this splice site has been observed in individual(s) with a positive newborn screening result for SLC22A5-related disease (internal data). ClinVar contains an entry for this variant (Variation ID: 203929). Algorithms developed to predict the effect of sequence changes on RNA splicing suggest that this variant may disrupt the consensus splice site. In summary, the currently available evidence indicates that the variant is pathogenic, but additional data are needed to prove that conclusively. Therefore, this variant has been classified as Likely Pathogenic.

Natera, Inc.
Classification: Likely pathogenic for Carnitine deficiency. Last evaluated: 2025-06-05. Review status: criteria provided, single submitter. Criteria: Natera Variant Classification Schema (03/2026). Collection method: clinical testing. Allele origin: germline.
Comment: The c.1053-2A>C variant in SLC22A5 is a canonical splice acceptor site variant predicted to affect pre-mRNA splicing, which may result in an abnormal transcript and altered protein product. This variant is expected to result in nonsense mediated decay, truncation, or a dysfunctional protein product. This variant is rare in the general population with a frequency below the threshold expected for the associated phenotype(s). Given the available evidence, this variant is classified as Likely Pathogenic.

GeneDx
Classification: Pathogenic. Last evaluated: 2025-03-03. Review status: criteria provided, single submitter. Criteria: GeneDx Variant Classification Process June 2021. Collection method: clinical testing. Allele origin: germline. Affected: yes.
Comment: Canonical splice site variant predicted to result in a null allele in a gene for which loss of function is a known mechanism of disease; Has not been previously published as pathogenic or benign to our knowledge; This variant is associated with the following publications: (PMID: 9916797)

Blueprint Genetics
Classification: Likely pathogenic for SLC22A5-related disorders. Last evaluated: 2024-11-26. Review status: criteria provided, single submitter. Criteria: ACMG Guidelines, 2015. Collection method: clinical testing. Allele origin: germline. Affected: yes. Observed: 4 variant alleles.

Women's Health and Genetics/Laboratory Corporation of America, LabCorp
Classification: Likely pathogenic for Renal carnitine transport defect. Last evaluated: 2023-08-03. Review status: criteria provided, single submitter. Criteria: LabCorp Variant Classification Summary - May 2015. Collection method: clinical testing. Allele origin: germline.
Comment: Variant summary: SLC22A5 c.1053-2A>C is located in a canonical splice-site and is predicted to affect mRNA splicing resulting in a significantly altered protein due to either exon skipping, shortening, or inclusion of intronic material. Several computational tools predict a significant impact on normal splicing: Four predict the variant abolishes a 3' acceptor site. However, these predictions have yet to be confirmed by functional studies. The variant allele was found at a frequency of 3.6e-05 in 251454 control chromosomes. To our knowledge, no occurrence of c.1053-2A>C in individuals affected with Systemic Primary Carnitine Deficiency and no experimental evidence demonstrating its impact on protein function have been reported. Five submitters have cited clinical-significance assessments for this variant to ClinVar after 2014. All submitters classified the variant as pathogenic/likely pathogenic. Based on the evidence outlined above, the variant was classified as likely pathogenic.

Baylor Genetics
Classification: Likely pathogenic for Renal carnitine transport defect. Last evaluated: 2023-07-18. Review status: criteria provided, single submitter. Criteria: ACMG Guidelines, 2015. Collection method: clinical testing. Allele origin: unknown.

Genome-Nilou Lab
Classification: Pathogenic for Renal carnitine transport defect. Last evaluated: 2021-07-15. Review status: criteria provided, single submitter. Criteria: ACMG Guidelines, 2015. Collection method: clinical testing. Allele origin: germline. Affected: no.

ARUP Laboratories, Molecular Genetics and Genomics, ARUP Laboratories
Classification: Pathogenic. Last evaluated: 2017-01-18. Review status: criteria provided, single submitter. Criteria: ARUP Molecular Germline Variant Investigation Process. Collection method: clinical testing. Allele origin: germline.

Counsyl
Classification: Likely pathogenic for Renal carnitine transport defect. Last evaluated: 2015-08-20. Review status: no assertion criteria provided. Collection method: clinical testing. Allele origin: unknown. Not counted in ClinVar's aggregate classification.

Literature cited by the submitters: PubMed 16199547 (cited by Labcorp Genetics (formerly Invitae), Labcorp); PubMed 9916797 (cited by Labcorp Genetics (formerly Invitae), Labcorp).